The following is an entry in ClinVar:

ClinVar aggregate classification (germline): Uncertain significance. Review status: criteria provided, multiple submitters, no conflicts (2 of 4 stars). 2 submissions from 2 submitters: Uncertain significance (2). Last evaluated 2024-10-16.

Conditions:
Congenital microvillous atrophy (DIAR2). Also called: MICROVILLUS ATROPHY, CONGENITAL; Microvillus inclusion disease; DAVIDSON DISEASE; CONGENITAL FAMILIAL PROTRACTED DIARRHEA WITH ENTEROCYTE BRUSH-BORDER ABNORMALITIES; Diarrhea 2 with microvillus atrophy, with or without cholestasis. Identifiers: Orphanet 2290, MedGen C0341306, MONDO:0009635, OMIM 251850.

Allele frequency attached by ClinVar (database versions not stated): gnomAD exomes 0.00001 and 0.00004; ExAC 0.00003; TOPMed 0.00003; gnomAD 0.00004.
gnomAD v4.1: 17 of 1,613,912 alleles (0.0011%); highest among the groups gnomAD compares: Middle Eastern, 0.016%; no homozygotes.

Submissions (2):

Labcorp Genetics (formerly Invitae), Labcorp
Classification: Uncertain significance. Last evaluated: 2024-10-16. Review status: criteria provided, single submitter. Criteria: Invitae Variant Classification Sherloc (09022015). Collection method: clinical testing. Allele origin: germline.
Comment: This sequence change replaces arginine, which is basic and polar, with tryptophan, which is neutral and slightly polar, at codon 1154 of the MYO5B protein (p.Arg1154Trp). This variant is present in population databases (rs775981130, gnomAD 0.02%). This variant has not been reported in the literature in individuals affected with MYO5B-related conditions. ClinVar contains an entry for this variant (Variation ID: 889735). Invitae Evidence Modeling of protein sequence and biophysical properties (such as structural, functional, and spatial information, amino acid conservation, physicochemical variation, residue mobility, and thermodynamic stability) has been performed for this missense variant. However, the output from this modeling did not meet the statistical confidence thresholds required to predict the impact of this variant on MYO5B protein function. In summary, the available evidence is currently insufficient to determine the role of this variant in disease. Therefore, it has been classified as a Variant of Uncertain Significance.

Illumina Laboratory Services, Illumina
Classification: Uncertain significance for Congenital microvillous atrophy. Last evaluated: 2018-01-13. Review status: criteria provided, single submitter. Criteria: ICSL Variant Classification Criteria 13 December 2019. Collection method: clinical testing. Allele origin: germline.

NM_001080467.3(MYO5B):c.3460C>T (p.Arg1154Trp)

Gene: MYO5B (myosin VB; minus strand). Cytogenetic location: 18q21.1.
Variant type: single nucleotide variant.
Coding change: c.3460C>T on transcript NM_001080467.3 (MANE Select); coding-DNA position 3460, C replaced by T.
Protein change: p.Arg1154Trp; replaces arginine 1154 with tryptophan.
Molecular consequence: missense variant.
Genome position (GRCh38, 1-based): chr18:49,875,764, G>A on the plus strand (C>T on the coding strand, the complement: MYO5B is on the minus strand). VCF-style: chr18-49875764-G-A. GRCh37 (hg19) VCF-style: chr18-47402134-G-A.
Other names: short protein forms R1154W.
Identifiers: ClinVar variation 889735 (VCV000889735.10), dbSNP rs775981130, ClinGen allele CA8960713.